The following is an entry in ClinVar:

ClinVar aggregate classification (germline): Likely pathogenic. Review status: criteria provided, multiple submitters, no conflicts (2 of 4 stars). 2 submissions from 2 submitters: Likely pathogenic (2). Last evaluated 2025-07-14.

Conditions:
Hereditary cancer-predisposing syndrome. Also called: Hereditary Cancer Syndrome; Hereditary neoplastic syndrome; Neoplastic Syndromes, Hereditary; Tumor predisposition. Identifiers: Orphanet 140162, MedGen C0027672, MeSH D009386, MONDO:0015356.
Nijmegen breakage syndrome-like disorder (NBSLD). Also called: MICROCEPHALY AND SPONTANEOUS CHROMOSOME INSTABILITY WITHOUT IMMUNODEFICIENCY; NBS-LIKE DISORDER; RAD50 DEFICIENCY. Identifiers: Orphanet 240760, MedGen C2751318, MONDO:0013118, OMIM 613078.

Submissions (2):

Labcorp Genetics (formerly Invitae), Labcorp
Classification: Likely pathogenic for Hereditary cancer-predisposing syndrome. Last evaluated: 2025-07-14. Review status: criteria provided, single submitter. Criteria: Invitae Variant Classification Sherloc (09022015). Collection method: clinical testing. Allele origin: germline.
Comment: This sequence change affects an acceptor splice site in intron 4 of the RAD50 gene. It is expected to disrupt RNA splicing. Variants that disrupt the donor or acceptor splice site typically lead to a loss of protein function (PMID: 16199547), and loss-of-function variants in RAD50 are known to be pathogenic (PMID: 19409520). This variant is not present in population databases (gnomAD no frequency). This variant has not been reported in the literature in individuals affected with RAD50-related conditions. ClinVar contains an entry for this variant (Variation ID: 408410). Algorithms developed to predict the effect of sequence changes on RNA splicing suggest that this variant may disrupt the consensus splice site. In summary, the currently available evidence indicates that the variant is pathogenic, but additional data are needed to prove that conclusively. Therefore, this variant has been classified as Likely Pathogenic.

Sema4
Classification: Likely pathogenic for Nijmegen breakage syndrome-like disorder. Last evaluated: 2021-01-07. Review status: criteria provided, single submitter. Criteria: Sema4 Curation Guidelines. Collection method: curation. Allele origin: germline.
Comment: The RAD50 c.552-2A>C variant has not been reported in the literature to our knowledge. This variant is predicted to destroy the canonical splice site leading to an abnormal or absent protein. This variant is not reported in the population database Genome Aggregation Database (PMID: 32461654). Based on the current evidence available, this variant is interpreted as likely pathogenic.

Literature cited by the submitters: PubMed 16199547 (cited by Labcorp Genetics (formerly Invitae), Labcorp); PubMed 19409520 (cited by Labcorp Genetics (formerly Invitae), Labcorp).

NM_005732.4(RAD50):c.552-2A>C

Gene: RAD50 (RAD50 double strand break repair protein; plus strand). Cytogenetic location: 5q31.1.
Variant type: single nucleotide variant.
Coding change: c.552-2A>C on transcript NM_005732.4 (MANE Select); the canonical splice acceptor site of the intron before coding-DNA position 552, A replaced by C.
Molecular consequence: splice acceptor variant.
Genome position (GRCh38, 1-based): chr5:132,579,860, A>C. VCF-style: chr5-132579860-A-C. GRCh37 (hg19) VCF-style: chr5-131915552-A-C.
Identifiers: ClinVar variation 408410 (VCV000408410.8), dbSNP rs1060501970, ClinGen allele CA16611756.